The following is an entry in ClinVar:

NM_032608.7(MYO18B):c.178G>C (p.Val60Leu)

Gene: MYO18B (myosin XVIIIB; plus strand). Cytogenetic location: 22q12.1.
Variant type: single nucleotide variant.
Coding change: c.178G>C on transcript NM_032608.7 (MANE Select); coding-DNA position 178, G replaced by C.
Protein change: p.Val60Leu; replaces valine 60 with leucine.
Molecular consequence: missense variant.
Genome position (GRCh38, 1-based): chr22:25,763,369, G>C. VCF-style: chr22-25763369-G-C. GRCh37 (hg19) VCF-style: chr22-26159336-G-C.
Other names: c.178G>C, p.Val60Leu (NM_001318245.2); short protein forms V60L.
Identifiers: ClinVar variation 1414037 (VCV001414037.8), dbSNP rs1568980856, ClinGen allele CA411000042.

ClinVar aggregate classification (germline): Uncertain significance (1 of 4 stars; one submission).

Allele frequency attached by ClinVar (database versions not stated): gnomAD exomes below 0.00001.
gnomAD v4.1: 3 of 1,611,488 alleles (0.00019%); highest among the groups gnomAD compares: Non-Finnish European, 0.00025%; no homozygotes.

Submission:

Labcorp Genetics (formerly Invitae), Labcorp
Classification: Uncertain significance. Last evaluated: 2022-07-05. Review status: criteria provided, single submitter. Criteria: Invitae Variant Classification Sherloc (09022015). Collection method: clinical testing. Allele origin: germline.
Comment: In summary, the available evidence is currently insufficient to determine the role of this variant in disease. Therefore, it has been classified as a Variant of Uncertain Significance. Algorithms developed to predict the effect of missense changes on protein structure and function output the following: SIFT: "Not Available"; PolyPhen-2: "Benign"; Align-GVGD: "Not Available". The leucine amino acid residue is found in multiple mammalian species, which suggests that this missense change does not adversely affect protein function. ClinVar contains an entry for this variant (Variation ID: 1414037). This variant has not been reported in the literature in individuals affected with MYO18B-related conditions. This variant is not present in population databases (gnomAD no frequency). This sequence change replaces valine, which is neutral and non-polar, with leucine, which is neutral and non-polar, at codon 60 of the MYO18B protein (p.Val60Leu).